The following is an entry in ClinVar:

NM_002691.4(POLD1):c.634A>G (p.Ile212Val)

Gene: POLD1 (DNA polymerase delta 1, catalytic subunit; plus strand). Cytogenetic location: 19q13.33.
Variant type: single nucleotide variant.
Coding change: c.634A>G on transcript NM_002691.4 (MANE Select); coding-DNA position 634, A replaced by G.
Protein change: p.Ile212Val; replaces isoleucine 212 with valine.
Molecular consequence: missense variant. On other transcripts: non-coding transcript variant (1).
Genome position (GRCh38, 1-based): chr19:50,402,249, A>G. VCF-style: chr19-50402249-A-G. GRCh37 (hg19) VCF-style: chr19-50905506-A-G.
Other names: c.634A>G, p.Ile212Val (NM_001256849.1, NM_001308632.1); short protein forms I212V.
Identifiers: ClinVar variation 1413058 (VCV001413058.6), dbSNP rs2122244219, ClinGen allele CA406974019.

ClinVar aggregate classification (germline): Uncertain significance (1 of 4 stars; one submission).

Conditions:
POLD1-related polyposis and colorectal cancer syndrome (CRCS10). Also called: Colorectal cancer, susceptibility to, 10; Colorectal cancer 10; COLORECTAL CANCER, SUSCEPTIBILITY TO, ON CHROMOSOME 19q. Identifiers: Orphanet 220460, MedGen C2675481, MONDO:0012953, OMIM 612591.

Submission:

Labcorp Genetics (formerly Invitae), Labcorp
Classification: Uncertain significance for POLD1-related polyposis and colorectal cancer syndrome. Last evaluated: 2023-05-16. Review status: criteria provided, single submitter. Criteria: Invitae Variant Classification Sherloc (09022015). Collection method: clinical testing. Allele origin: germline.
Comment: This sequence change replaces isoleucine, which is neutral and non-polar, with valine, which is neutral and non-polar, at codon 212 of the POLD1 protein (p.Ile212Val). This variant is not present in population databases (gnomAD no frequency). In summary, the available evidence is currently insufficient to determine the role of this variant in disease. Therefore, it has been classified as a Variant of Uncertain Significance. This variant has not been reported in the literature in individuals affected with POLD1-related conditions. ClinVar contains an entry for this variant (Variation ID: 1413058). Advanced modeling of protein sequence and biophysical properties (such as structural, functional, and spatial information, amino acid conservation, physicochemical variation, residue mobility, and thermodynamic stability) performed at Invitae indicates that this missense variant is not expected to disrupt POLD1 protein function.